The following is an entry in ClinVar:

ClinVar aggregate classification (germline): Uncertain significance (1 of 4 stars; one submission).

Submission:

GeneDx
Classification: Uncertain significance. Last evaluated: 2021-06-14. Review status: criteria provided, single submitter. Criteria: GeneDx Variant Classification Process June 2021. Collection method: clinical testing. Allele origin: germline. Affected: yes.
Comment: Observed in at least one individual with a personal and/or family history of sudden cardiac arrest (Choi et al., 2004; Tester et al., 2005); Not observed at significant frequency in large population cohorts (Lek et al., 2016); In silico analysis supports that this missense variant has a deleterious effect on protein structure/function; Located in one of the three hot-spot regions of the RYR2 gene, where the majority of pathogenic missense variants occur (Medeiros-Domingo et al., 2009); This variant is associated with the following publications: (PMID: 19926015, 24025405, 27535533, 15466642, 16188589)

NM_001035.3(RYR2):c.13496T>G (p.Phe4499Cys)

Gene: RYR2 (ryanodine receptor 2; plus strand). Cytogenetic location: 1q43.
Variant type: single nucleotide variant.
Coding change: c.13496T>G on transcript NM_001035.3 (MANE Select); coding-DNA position 13496, T replaced by G.
Protein change: p.Phe4499Cys; replaces phenylalanine 4499 with cysteine.
Molecular consequence: missense variant.
Genome position (GRCh38, 1-based): chr1:237,791,448, T>G. VCF-style: chr1-237791448-T-G. GRCh37 (hg19) VCF-style: chr1-237954748-T-G.
Other names: short protein forms F4499C.
Identifiers: ClinVar variation 1328919 (VCV001328919.2), dbSNP rs1457271141, ClinGen allele CA345417052.